The following is an entry in ClinVar:

ClinVar aggregate classification (germline): Uncertain significance (1 of 4 stars; one submission).

Conditions:
Emery-Dreifuss muscular dystrophy (EDMD). Also called: Scapuloperoneal syndrome, X-linked (formerly); Humeroperoneal neuromuscular disease, (formerly). Identifiers: Orphanet 261, MedGen C0410189, MONDO:0016830.

Allele frequency attached by ClinVar (database versions not stated): gnomAD exomes below 0.00001 and 0.00001; gnomAD 0.00001; ExAC 0.00002.
gnomAD v4.1: 6 of 1,612,282 alleles (0.00037%); highest among the groups gnomAD compares: South Asian, 0.0044%; no homozygotes.

Submission:

Labcorp Genetics (formerly Invitae), Labcorp
Classification: Uncertain significance for Emery-Dreifuss muscular dystrophy. Last evaluated: 2021-04-12. Review status: criteria provided, single submitter. Criteria: Invitae Variant Classification Sherloc (09022015). Collection method: clinical testing. Allele origin: germline.
Comment: Algorithms developed to predict the effect of missense changes on protein structure and function are either unavailable or do not agree on the potential impact of this missense change (SIFT: "Deleterious"; PolyPhen-2: "Possibly Damaging"; Align-GVGD: "Class C0"). In summary, the available evidence is currently insufficient to determine the role of this variant in disease. Therefore, it has been classified as a Variant of Uncertain Significance. This variant has not been reported in the literature in individuals with SUN1-related conditions. This variant is present in population databases (rs781390393, ExAC 0.02%). This sequence change replaces glycine with aspartic acid at codon 305 of the SUN1 protein (p.Gly305Asp). The glycine residue is highly conserved and there is a moderate physicochemical difference between glycine and aspartic acid.

NM_001130965.3(SUN1):c.914G>A (p.Gly305Asp)

Gene: SUN1 (Sad1 and UNC84 domain containing 1; plus strand). Cytogenetic location: 7p22.3.
Variant type: single nucleotide variant.
Coding change: c.914G>A on transcript NM_001130965.3 (MANE Select); coding-DNA position 914, G replaced by A.
Protein change: p.Gly305Asp; replaces glycine 305 with aspartic acid.
Molecular consequence: missense variant. On other transcripts: non-coding transcript variant (3), intron variant (1).
Genome position (GRCh38, 1-based): chr7:852,813, G>A. VCF-style: chr7-852813-G-A. GRCh37 (hg19) VCF-style: chr7-892450-G-A.
Other names: c.605G>A, p.Gly202Asp (NM_001171944.2); c.914G>A, p.Gly305Asp (NM_001367633.1, NM_001367634.1, NM_001367672.1 and 1 more transcripts); c.563G>A, p.Gly188Asp (NM_001367635.1); c.1154G>A, p.Gly385Asp (NM_001367636.1, NM_001367691.1); c.1022G>A, p.Gly341Asp (NM_001367638.1); c.455G>A, p.Gly152Asp (NM_001367639.1); c.1094G>A, p.Gly365Asp (NM_001367640.1); c.1196G>A, p.Gly399Asp (NM_001367641.1, NM_001367682.1); and 38 more; short protein forms G255D, G279D, G291D, G300D, G314D, G321D, G152D, G188D.
Identifiers: ClinVar variation 1525188 (VCV001525188.8), dbSNP rs781390393, ClinGen allele CA4112011.
Genomic context (GRCh38, chr7:852,813, plus strand): 5'-TCCATGTTTTGAGAAGCGTGGTGTACCTGTGTGTGTGTGGTGGCTCTTCTCTTTTAGCAG[G>A]TCTCTCCTTACGGGGCCAGGGCAATTTCTTTTCGTTCTTGCCCGTGTTGAACTGGGCAAG-3'
Protein context (NP_001124437.1, residues 295-315): LLIPLFLLLA[Gly305Asp]LSLRGQGNFF